The following is an entry in ClinVar:

NM_020975.6(RET):c.3340A>T (p.Ser1114Cys)

Gene: RET (ret proto-oncogene; plus strand). Cytogenetic location: 10q11.21.
Variant type: single nucleotide variant.
Coding change: c.3340A>T on transcript NM_020975.6 (MANE Select); coding-DNA position 3340, A replaced by T.
Protein change: p.Ser1114Cys; replaces serine 1114 with cysteine.
Molecular consequence: missense variant. On other transcripts: 3 prime UTR variant (18), intron variant (3).
Genome position (GRCh38, 1-based): chr10:43,128,264, A>T. VCF-style: chr10-43128264-A-T. GRCh37 (hg19) VCF-style: chr10-43623712-A-T.
Other names: c.3340A>T, p.Ser1114Cys (NM_000323.2, NM_001406743.1); c.*1510A>T (NM_001355216.2, NM_001406764.1, NM_001406765.1 and 15 more transcripts); c.3280A>T, p.Ser1094Cys (NM_001406759.1, NM_001406760.1); c.3211A>T, p.Ser1071Cys (NM_001406761.1, NM_001406762.1); c.3205A>T, p.Ser1069Cys (NM_001406763.1); c.3052A>T, p.Ser1018Cys (NM_001406766.1, NM_001406767.1); c.2944A>T, p.Ser982Cys (NM_001406769.1); c.2902A>T, p.Ser968Cys (NM_001406771.1); and 10 more; short protein forms S1071C, S631C, S815C, S852C, S872C, S968C, S1018C, S611C.
Identifiers: ClinVar variation 2993024 (VCV002993024.4), dbSNP rs2538663321, ClinGen allele CA376559393.

ClinVar aggregate classification (germline): Uncertain significance. Review status: criteria provided, multiple submitters, no conflicts (2 of 4 stars). 2 submissions from 2 submitters: Uncertain significance (2). Last evaluated 2023-12-15.

Conditions:
Multiple endocrine neoplasia, type 2 (MEN2). Identifiers: Orphanet 653, MedGen C4048306, MONDO:0019003. Disease mechanism: gain of function.
Hereditary cancer-predisposing syndrome. Also called: Hereditary Cancer Syndrome; Hereditary neoplastic syndrome; Neoplastic Syndromes, Hereditary; Tumor predisposition. Identifiers: Orphanet 140162, MedGen C0027672, MeSH D009386, MONDO:0015356.

Submissions (2):

Ambry Genetics
Classification: Uncertain significance for Hereditary cancer-predisposing syndrome. Last evaluated: 2023-12-15. Review status: criteria provided, single submitter. Criteria: Ambry Variant Classification Scheme 2023. Collection method: clinical testing. Allele origin: germline.
Comment: The p.S1114C variant (also known as c.3340A>T), located in coding exon 20 of the RET gene, results from an A to T substitution at nucleotide position 3340. The serine at codon 1114 is replaced by cysteine, an amino acid with dissimilar properties. This amino acid position is conserved. In addition, the in silico prediction for this alteration is inconclusive. Since supporting evidence is limited at this time, the clinical significance of this alteration remains unclear.

Labcorp Genetics (formerly Invitae), Labcorp
Classification: Uncertain significance for Multiple endocrine neoplasia, type 2. Last evaluated: 2022-12-16. Review status: criteria provided, single submitter. Criteria: Invitae Variant Classification Sherloc (09022015). Collection method: clinical testing. Allele origin: germline.
Comment: In summary, the available evidence is currently insufficient to determine the role of this variant in disease. Therefore, it has been classified as a Variant of Uncertain Significance. Algorithms developed to predict the effect of missense changes on protein structure and function are either unavailable or do not agree on the potential impact of this missense change (SIFT: "Deleterious"; PolyPhen-2: "Probably Damaging"; Align-GVGD: "Class C0"). This variant has not been reported in the literature in individuals affected with RET-related conditions. This variant is not present in population databases (gnomAD no frequency). This sequence change replaces serine, which is neutral and polar, with cysteine, which is neutral and slightly polar, at codon 1114 of the RET protein (p.Ser1114Cys).